The following is an entry in ClinVar:

NM_181486.4(TBX5):c.1126C>T (p.Gln376Ter)

Gene: TBX5 (T-box transcription factor 5; minus strand). Cytogenetic location: 12q24.21.
Variant type: single nucleotide variant.
Coding change: c.1126C>T on transcript NM_181486.4 (MANE Select); coding-DNA position 1126, C replaced by T.
Protein change: p.Gln376Ter; replaces glutamine 376 with a stop codon.
Molecular consequence: nonsense.
Genome position (GRCh38, 1-based): chr12:114,355,963, G>A on the plus strand (C>T on the coding strand, the complement: TBX5 is on the minus strand). VCF-style: chr12-114355963-G-A. GRCh37 (hg19) VCF-style: chr12-114793768-G-A.
Other names: p.Q376*:CAA>TAA; c.1126C>T, p.Gln376Ter (NM_000192.3); c.976C>T, p.Gln326Ter (NM_080717.4); short protein forms Q376*, Q326*.
Identifiers: ClinVar variation 213821 (VCV000213821.4), dbSNP rs863223778, ClinGen allele CA321755.

ClinVar aggregate classification (germline): Likely pathogenic. Review status: criteria provided, multiple submitters, no conflicts (2 of 4 stars). 2 submissions from 2 submitters: Likely pathogenic (2). Last evaluated 2023-12-21.

Conditions:
Holt-Oram syndrome (HOS). Also called: TBX5-Related Holt-Oram Syndrome; Ventriculo-radial syndrome; Cardiac-limb syndrome; Heart-hand syndrome, type 1. Identifiers: Orphanet 392, MedGen C0265264, MONDO:0007732, OMIM 142900.

Submissions (2):

Clinical Genomics Laboratory, Washington University in St. Louis
Classification: Likely pathogenic for Holt-Oram syndrome. Last evaluated: 2023-12-21. Review status: criteria provided, single submitter. Criteria: ACMG Guidelines, 2015. Collection method: clinical testing. Allele origin: germline. Affected: yes.
Comment: The TBX5 c.1126C>T (p.Gln376Ter) variant, to our knowledge, has not been reported in the medical literature, but has been reported in the ClinVar database as a germline likely pathogenic variant by one submitter. This variant is absent from the general population (gnomAD v.2.1.1), indicating it is not a common variant. This variant causes a premature termination codon; however, because this occurs in the last exon, this is not predicted to lead to nonsense mediated decay. Other variants that introduce a premature termination codon in the terminal exon located downstream of this variant have been described in affected individuals and are considered pathogenic (Blue GM et al., PMID: 25500235; Szot JO et al., PMID: 29555671). Based on available information and the ACMG/AMP guidelines for variant interpretation (Richards S et al., PMID: 25741868), this variant is classified as likely pathogenic.

GeneDx
Classification: Likely pathogenic. Last evaluated: 2021-08-13. Review status: criteria provided, single submitter. Criteria: GeneDx Variant Classification Process June 2021. Collection method: clinical testing. Allele origin: germline. Affected: yes.
Comment: Nonsense variant in the C-terminus predicted to result in protein truncation, as the last 143 amino acids are lost, and other loss-of-function variants have been reported downstream in the Human Gene Mutation Database (Stenson et al., 2014); Not observed at significant frequency in large population cohorts (Lek et al., 2016); Has not been previously published as pathogenic or benign to our knowledge